The following is an entry in ClinVar:

ClinVar aggregate classification (germline): Likely benign. Review status: criteria provided, multiple submitters, no conflicts (2 of 4 stars). 5 submissions from 5 submitters: Likely benign (4). 1 of the submissions does not count toward it. Last evaluated 2025-10-01.

Conditions:
Familial thoracic aortic aneurysm and aortic dissection (TAAD). Also called: Thoracic aortic aneurysms and dissections. Identifiers: Orphanet 91387, MedGen C4707243, MONDO:0019625.
MYH11-related disorder. Also called: MYH11-related condition.

gnomAD v4.1: 8 of 1,613,994 alleles (0.0005%); highest among the groups gnomAD compares: African/African-American, 0.0093%; no homozygotes.

Submissions (5):

CeGaT Center for Human Genetics Tuebingen
Classification: Likely benign. Last evaluated: 2025-10-01. Review status: criteria provided, single submitter. Criteria: CeGaT Center For Human Genetics Tuebingen Variant Classification Criteria Version 2. Collection method: clinical testing. Allele origin: germline. Affected: yes. Observed: 1 variant allele.
Comment: MYH11: BP4, BP7

All of Us Research Program, National Institutes of Health
Classification: Likely benign for Familial thoracic aortic aneurysm and aortic dissection. Last evaluated: 2024-05-14. Review status: criteria provided, single submitter. Criteria: ACMG Guidelines, 2015. Collection method: clinical testing. Allele origin: germline. Inheritance: Autosomal dominant inheritance. Observed: 1 variant allele, 1 heterozygote.
Comment: This study involves interpretation of variants in research participants for the purpose of population health screening. Participant phenotype was not available at the time of variant classification. Additional details can be found in publication PMID: 35346344, PMCID: PMC8962531

Color Diagnostics, LLC DBA Color Health
Classification: Likely benign for Familial thoracic aortic aneurysm and aortic dissection. Last evaluated: 2022-11-06. Review status: criteria provided, single submitter. Criteria: ACMG Guidelines, 2015. Collection method: clinical testing. Allele origin: germline.

Ambry Genetics
Classification: Likely benign for Familial thoracic aortic aneurysm and aortic dissection. Last evaluated: 2022-09-16. Review status: criteria provided, single submitter. Criteria: Ambry Variant Classification Scheme 2023. Collection method: clinical testing. Allele origin: germline.

PreventionGenetics, part of Exact Sciences
Classification: Likely benign for MYH11-related condition. Last evaluated: 2024-07-15. Review status: no assertion criteria provided. Collection method: clinical testing. Allele origin: germline. Not counted in ClinVar's aggregate classification.
Comment: This variant is classified as likely benign based on ACMG/AMP sequence variant interpretation guidelines (Richards et al. 2015 PMID: 25741868, with internal and published modifications).

NM_002474.3(MYH11):c.348G>T (p.Thr116=)

Gene: MYH11 (myosin heavy chain 11; minus strand). Cytogenetic location: 16p13.11.
Variant type: single nucleotide variant.
Coding change: c.348G>T on transcript NM_002474.3 (MANE Select); coding-DNA position 348, G replaced by T.
Protein change: p.Thr116=; no amino-acid change (threonine 116 retained).
Molecular consequence: synonymous variant.
Genome position (GRCh38, 1-based): chr16:15,823,409, C>A on the plus strand (G>T on the coding strand, the complement: MYH11 is on the minus strand). VCF-style: chr16-15823409-C-A. GRCh37 (hg19) VCF-style: chr16-15917266-C-A.
Other names: c.348G>T, p.Thr116= (NM_001040113.2, NM_001040114.2, NM_022844.3); c.348G>T (NM_001040113.1).
Identifiers: ClinVar variation 1731925 (VCV001731925.11), dbSNP rs781275376, ClinGen allele CA7923065.